The following is an entry in ClinVar:

ClinVar aggregate classification (germline): Benign/Likely benign. Review status: criteria provided, multiple submitters, no conflicts (2 of 4 stars). 7 submissions from 7 submitters: Benign (5); Likely benign (1). 1 of the submissions does not count toward it. Last evaluated 2026-02-04.

Conditions:
DNAH9-related disorder. Also called: DNAH9-related condition.
Ciliary dyskinesia, primary, 40. Also called: CILIARY DYSKINESIA, PRIMARY, 40, WITH OR WITHOUT SITUS INVERSUS. Identifiers: MedGen C4749028, MONDO:0032664, OMIM 618300.

Allele frequency attached by ClinVar (database versions not stated): 1000 Genomes Project 30x 0.01608; 1000 Genomes Project 0.01717; TOPMed 0.02671; ESP Exome Variant Server 0.03060; gnomAD 0.03299 and 0.03365; ExAC 0.03736.
gnomAD v4.1: 67,171 of 1,613,928 alleles (4.2%); highest among the groups gnomAD compares: Non-Finnish European, 4.5%; 1,720 homozygotes.

Submissions (7):

Labcorp Genetics (formerly Invitae), Labcorp
Classification: Benign. Last evaluated: 2026-02-04. Review status: criteria provided, single submitter. Criteria: Invitae Variant Classification Sherloc (09022015). Collection method: clinical testing. Allele origin: germline.

Blueprint Genetics
Classification: Likely benign. Last evaluated: 2024-11-27. Review status: criteria provided, single submitter. Criteria: ACMG Guidelines, 2015. Collection method: clinical testing. Allele origin: germline.

Mayo Clinic Laboratories, Mayo Clinic
Classification: Benign. Last evaluated: 2023-02-02. Review status: criteria provided, single submitter. Criteria: ACMG Guidelines, 2015. Collection method: clinical testing. Allele origin: germline. Observed: 14 variant alleles.

Genome-Nilou Lab
Classification: Benign for Ciliary dyskinesia, primary, 40. Last evaluated: 2021-07-30. Review status: criteria provided, single submitter. Criteria: ACMG Guidelines, 2015. Collection method: clinical testing. Allele origin: germline. Affected: no.

GeneDx
Classification: Benign. Last evaluated: 2021-05-04. Review status: criteria provided, single submitter. Criteria: GeneDx Variant Classification Process June 2021. Collection method: clinical testing. Allele origin: germline. Affected: yes.

Breakthrough Genomics
Classification: Benign. Review status: criteria provided, single submitter. Criteria: ACMG Guidelines, 2015. Collection method: not provided. Allele origin: germline. Inheritance: Autosomal recessive inheritance. Affected: yes.

PreventionGenetics, part of Exact Sciences
Classification: Benign for DNAH9-related condition. Last evaluated: 2019-08-27. Review status: no assertion criteria provided. Collection method: clinical testing. Allele origin: germline. Not counted in ClinVar's aggregate classification.
Comment: This variant is classified as benign based on ACMG/AMP sequence variant interpretation guidelines (Richards et al. 2015 PMID: 25741868, with internal and published modifications).

NM_001372.4(DNAH9):c.8808C>T (p.Asn2936=)

Gene: DNAH9 (dynein axonemal heavy chain 9; plus strand). Cytogenetic location: 17p12.
Variant type: single nucleotide variant.
Coding change: c.8808C>T on transcript NM_001372.4 (MANE Select); coding-DNA position 8808, C replaced by T.
Protein change: p.Asn2936=; no amino-acid change (asparagine 2936 retained).
Molecular consequence: synonymous variant.
Genome position (GRCh38, 1-based): chr17:11,822,020, C>T. VCF-style: chr17-11822020-C-T. GRCh37 (hg19) VCF-style: chr17-11725337-C-T.
Other names: p.Asn2936=.
Identifiers: ClinVar variation 1243755 (VCV001243755.17), dbSNP rs117790039, ClinGen allele CA8397041.